The following is an entry in ClinVar:

NM_001040716.2(PC):c.2473+1G>C

Gene: PC (pyruvate carboxylase; minus strand). Cytogenetic location: 11q13.2.
Variant type: single nucleotide variant.
Coding change: c.2473+1G>C on transcript NM_001040716.2 (MANE Select); the canonical splice donor site of the intron after coding-DNA position 2473, G replaced by C.
Molecular consequence: splice donor variant.
Genome position (GRCh38, 1-based): chr11:66,850,673, C>G on the plus strand (G>C on the coding strand, the complement: PC is on the minus strand). VCF-style: chr11-66850673-C-G. GRCh37 (hg19) VCF-style: chr11-66618144-C-G.
Other names: c.2473+1G>C (NM_000920.4, NM_022172.3).
Identifiers: ClinVar variation 1489899 (VCV001489899.6), dbSNP rs1304770743, ClinGen allele CA381492902.

ClinVar aggregate classification (germline): Likely pathogenic (1 of 4 stars; one submission).

Conditions:
Pyruvate carboxylase deficiency. Also called: ATAXIA WITH LACTIC ACIDOSIS II; Pyruvate Carboxylase Deficiency Disease; LEIGH NECROTIZING ENCEPHALOPATHY DUE TO PYRUVATE CARBOXYLASE DEFICIENCY; PC DEFICIENCY; LEIGH SYNDROME DUE TO PYRUVATE CARBOXYLASE DEFICIENCY. Identifiers: Orphanet 3008, MedGen C0034341, MONDO:0009949, OMIM 266150.

Allele frequency attached by ClinVar (database versions not stated): gnomAD exomes below 0.00001.
gnomAD v4.1: 1 of 1,608,720 alleles (0.000062%); highest among the groups gnomAD compares: Non-Finnish European, 0.000085%; no homozygotes.

Submission:

Labcorp Genetics (formerly Invitae), Labcorp
Classification: Likely pathogenic for Pyruvate carboxylase deficiency. Last evaluated: 2021-10-14. Review status: criteria provided, single submitter. Criteria: Invitae Variant Classification Sherloc (09022015). Collection method: clinical testing. Allele origin: germline.
Comment: This variant is not present in population databases (ExAC no frequency). This sequence change affects a donor splice site in intron 17 of the PC gene. It is expected to disrupt RNA splicing. Variants that disrupt the donor or acceptor splice site typically lead to a loss of protein function (PMID: 16199547), and loss-of-function variants in PC are known to be pathogenic (PMID: 12112657, 19306334). This variant has not been reported in the literature in individuals affected with PC-related conditions. Algorithms developed to predict the effect of sequence changes on RNA splicing suggest that this variant may disrupt the consensus splice site. In summary, the currently available evidence indicates that the variant is pathogenic, but additional data are needed to prove that conclusively. Therefore, this variant has been classified as Likely Pathogenic.

Literature cited by the submitters: PubMed 16199547; PubMed 12112657; PubMed 19306334.